The following is an entry in ClinVar:

ClinVar aggregate classification (germline): Benign. Review status: criteria provided, multiple submitters, no conflicts (2 of 4 stars). 9 submissions from 9 submitters: Benign (6). 3 of the submissions do not count toward it. Last evaluated 2026-02-04.

Conditions:
Hajdu-Cheney syndrome (HJCYS). Also called: Acroosteolysis dominant type; ACROOSTEOLYSIS WITH OSTEOPOROSIS AND CHANGES IN SKULL AND MANDIBLE; SERPENTINE FIBULA-POLYCYSTIC KIDNEY SYNDROME. Identifiers: Orphanet 955, MedGen C0917715, MONDO:0007057, OMIM 102500.

Allele frequency attached by ClinVar (database versions not stated): gnomAD 0.00477 and 0.00605; TOPMed 0.00493; ESP Exome Variant Server 0.00500; 1000 Genomes Project 0.01098; gnomAD exomes 0.01105 and 0.00903; ExAC 0.01688; 1000 Genomes Project 30x 0.01093.
gnomAD v4.1: 14,038 of 1,605,286 alleles (0.87%); highest among the groups gnomAD compares: South Asian, 5.2%; 215 homozygotes.

Submissions (16):

Labcorp Genetics (formerly Invitae), Labcorp
Classification: Benign for Hajdu-Cheney syndrome. Last evaluated: 2026-02-04. Review status: criteria provided, single submitter. Criteria: Invitae Variant Classification Sherloc (09022015). Collection method: clinical testing. Allele origin: germline.

Blueprint Genetics
Classification: Benign. Last evaluated: 2024-11-26. Review status: criteria provided, single submitter. Criteria: ACMG Guidelines, 2015. Collection method: clinical testing. Allele origin: germline.

Mayo Clinic Laboratories, Mayo Clinic
Classification: Benign. Last evaluated: 2024-01-02. Review status: criteria provided, single submitter. Criteria: ACMG Guidelines, 2015. Collection method: clinical testing. Allele origin: germline. Observed: 11 variant alleles.
Comment: BA1, BS2

GeneDx
Classification: Benign. Last evaluated: 2020-07-14. Review status: criteria provided, single submitter. Criteria: GeneDx Variant Classification Process June 2021. Collection method: clinical testing. Allele origin: germline. Affected: yes.
Comment: This variant is associated with the following publications: (PMID: 31555317, 16773578, 27058611, 23597238, 29221435)

Eurofins Ntd Llc (ga)
Classification: Benign. Last evaluated: 2014-11-20. Review status: criteria provided, single submitter. Criteria: EGL Classification Definitions 2015. Collection method: clinical testing. Allele origin: germline. Observed: 1 variant allele, 1 heterozygote.

Breakthrough Genomics
Classification: Benign. Review status: criteria provided, single submitter. Criteria: ACMG Guidelines, 2015. Collection method: not provided. Allele origin: germline. Inheritance: Autosomal dominant inheritance. Affected: yes.

ITMI
No classification provided. Condition: AllHighlyPenetrant. Last evaluated: 2013-09-19. Review status: no classification provided. Collection method: reference population. Allele origin: germline. Not counted in ClinVar's aggregate classification.
Comment: Please see associated publication for description of ethnicities

Dr. Peter K. Rogan Lab, Western University
No classification provided (evidence only). Condition: Clear cell carcinoma of kidney. Review status: no classification provided. Collection method: in vitro. Allele origin: not applicable. Functional consequence: retained intron. Not counted in ClinVar's aggregate classification.

Dr. Peter K. Rogan Lab, Western University
No classification provided (evidence only). Condition: Clear cell carcinoma of kidney. Review status: no classification provided. Collection method: in vitro. Allele origin: not applicable. Functional consequence: retained intron. Not counted in ClinVar's aggregate classification.

Dr. Peter K. Rogan Lab, Western University
No classification provided (evidence only). Condition: Familial cancer of breast. Review status: no classification provided. Collection method: in vitro. Allele origin: not applicable. Functional consequence: retained intron. Not counted in ClinVar's aggregate classification.

Dr. Peter K. Rogan Lab, Western University
No classification provided (evidence only). Condition: Colon adenocarcinoma. Review status: no classification provided. Collection method: in vitro. Allele origin: not applicable. Functional consequence: retained intron. Not counted in ClinVar's aggregate classification.

Dr. Peter K. Rogan Lab, Western University
No classification provided (evidence only). Condition: Thyroid cancer, nonmedullary, 1. Review status: no classification provided. Collection method: in vitro. Allele origin: not applicable. Functional consequence: retained intron. Not counted in ClinVar's aggregate classification.

Dr. Peter K. Rogan Lab, Western University
No classification provided (evidence only). Condition: Cervical cancer. Review status: no classification provided. Collection method: in vitro. Allele origin: not applicable. Functional consequence: retained intron. Not counted in ClinVar's aggregate classification.

Dr. Peter K. Rogan Lab, Western University
No classification provided (evidence only). Condition: Sarcoma. Review status: no classification provided. Collection method: in vitro. Allele origin: not applicable. Functional consequence: retained intron. Not counted in ClinVar's aggregate classification.

Genome Diagnostics Laboratory, University Medical Center Utrecht
Classification: Benign. Review status: no assertion criteria provided. Collection method: clinical testing. Allele origin: germline. Affected: yes. Study: VKGL Data-share Consensus. Not counted in ClinVar's aggregate classification.

Laboratory of Diagnostic Genome Analysis, Leiden University Medical Center (LUMC)
Classification: Likely benign. Review status: no assertion criteria provided. Collection method: clinical testing. Allele origin: germline. Affected: yes. Study: VKGL Data-share Consensus. Not counted in ClinVar's aggregate classification.

Literature cited by the submitters: PubMed 24728327 (cited by ITMI).

NM_024408.4(NOTCH2):c.3980A>G (p.Asp1327Gly)

Gene: NOTCH2 (notch receptor 2; minus strand). Cytogenetic location: 1p12.
Variant type: single nucleotide variant.
Coding change: c.3980A>G on transcript NM_024408.4 (MANE Select); coding-DNA position 3980, A replaced by G.
Protein change: p.Asp1327Gly; replaces aspartic acid 1327 with glycine.
Molecular consequence: missense variant.
Genome position (GRCh38, 1-based): chr1:119,926,524, T>C on the plus strand (A>G on the coding strand, the complement: NOTCH2 is on the minus strand). VCF-style: chr1-119926524-T-C. GRCh37 (hg19) VCF-style: chr1-120469147-T-C.
Other names: p.Asp1327Gly; short protein forms D1327G.
Identifiers: ClinVar variation 134972 (VCV000134972.23), dbSNP rs61752484, ClinGen allele CA161271.